The following is an entry in ClinVar:

ClinVar aggregate classification (germline): Conflicting classifications of pathogenicity. Review status: criteria provided, conflicting classifications (1 of 4 stars). 5 submissions from 5 submitters: Uncertain significance (1); Likely benign (4). Last evaluated 2025-11-23.

Conditions:
Hereditary cancer-predisposing syndrome. Also called: Neoplastic Syndromes, Hereditary; Tumor predisposition; Hereditary neoplastic syndrome; Hereditary Cancer Syndrome. Identifiers: Orphanet 140162, MedGen C0027672, MeSH D009386, MONDO:0015356.
Familial cancer of breast. Also called: BREAST CANCER, FAMILIAL; Hereditary breast cancer; hereditary breast carcinoma. Identifiers: Orphanet 227535, MedGen C0346153, MONDO:0016419, OMIM 114480. Disease mechanism: loss of function.

Allele frequency attached by ClinVar (database versions not stated): gnomAD exomes below 0.00001 and 0.00001.
gnomAD v4.1: 7 of 1,597,744 alleles (0.00044%); highest among the groups gnomAD compares: East Asian, 0.0022%; no homozygotes.

Submissions (5):

Labcorp Genetics (formerly Invitae), Labcorp
Classification: Likely benign for Familial cancer of breast. Last evaluated: 2025-11-23. Review status: criteria provided, single submitter. Criteria: Invitae Variant Classification Sherloc (09022015). Collection method: clinical testing. Allele origin: germline.

Department of Pathology and Laboratory Medicine, Sinai Health System
Classification: Likely benign for Familial cancer of breast. Last evaluated: 2023-04-12. Review status: criteria provided, single submitter. Criteria: ACMG Guidelines, 2015. Collection method: clinical testing. Allele origin: germline. Affected: yes.

Illumina Laboratory Services, Illumina
Classification: Uncertain significance for Familial cancer of breast. Last evaluated: 2018-01-13. Review status: criteria provided, single submitter. Criteria: ICSL Variant Classification Criteria 13 December 2019. Collection method: clinical testing. Allele origin: germline.

Color Diagnostics, LLC DBA Color Health
Classification: Likely benign for Hereditary cancer-predisposing syndrome. Last evaluated: 2016-05-19. Review status: criteria provided, single submitter. Criteria: ACMG Guidelines, 2015. Collection method: clinical testing. Allele origin: germline.

GeneDx
Classification: Likely benign. Last evaluated: 2015-11-12. Review status: criteria provided, single submitter. Criteria: GeneDx Variant Classification (06012015). Collection method: clinical testing. Allele origin: germline. Affected: yes.
Comment: This variant is considered likely benign or benign based on one or more of the following criteria: it is a conservative change, it occurs at a poorly conserved position in the protein, it is predicted to be benign by multiple in silico algorithms, and/or has population frequency not consistent with disease.

NM_000465.4(BARD1):c.215+13G>A

Gene: BARD1 (BRCA1 associated RING domain 1; minus strand). Cytogenetic location: 2q35.
Variant type: single nucleotide variant.
Coding change: c.215+13G>A on transcript NM_000465.4 (MANE Select); 13 bases into the intron after coding-DNA position 215, G replaced by A.
Molecular consequence: intron variant.
Genome position (GRCh38, 1-based): chr2:214,797,048, C>T on the plus strand (G>A on the coding strand, the complement: BARD1 is on the minus strand). VCF-style: chr2-214797048-C-T. GRCh37 (hg19) VCF-style: chr2-215661772-C-T.
Other names: c.215+13G>A (LRG_297t1, NM_001282545.2, NM_001282549.2); c.158+12364G>A (NM_001282548.2); c.159-4603G>A (NM_001282543.2).
Identifiers: ClinVar variation 334198 (VCV000334198.16), dbSNP rs886055601, ClinGen allele CA10614214.